The following is an entry in ClinVar:

NM_006010.6(MANF):c.435T>C (p.Asp145=)

Gene: MANF (mesencephalic astrocyte derived neurotrophic factor; plus strand). Cytogenetic location: 3p21.2.
Variant type: single nucleotide variant.
Coding change: c.435T>C on transcript NM_006010.6 (MANE Select); coding-DNA position 435, T replaced by C.
Protein change: p.Asp145=; no amino-acid change (aspartic acid 145 retained).
Molecular consequence: synonymous variant.
Genome position (GRCh38, 1-based): chr3:51,388,975, T>C. VCF-style: chr3-51388975-T-C. GRCh37 (hg19) VCF-style: chr3-51426406-T-C.
Identifiers: ClinVar variation 3048261 (VCV003048261.2), dbSNP rs781843103, ClinGen allele CA2422325.

ClinVar aggregate classification (germline): Likely benign (0 of 4 stars; one submission).

Conditions:
MANF-related disorder. Also called: MANF-related condition.

Allele frequency attached by ClinVar (database versions not stated): gnomAD 0.00001; TOPMed 0.00002; gnomAD exomes 0.00006; ExAC 0.00007.
gnomAD v4.1: 82 of 1,604,270 alleles (0.0051%); highest among the groups gnomAD compares: Non-Finnish European, 0.0068%; no homozygotes.

Submission:

PreventionGenetics, part of Exact Sciences
Classification: Likely benign for MANF-related condition. Last evaluated: 2019-12-19. Review status: no assertion criteria provided. Collection method: clinical testing. Allele origin: germline.
Comment: This variant is classified as likely benign based on ACMG/AMP sequence variant interpretation guidelines (Richards et al. 2015 PMID: 25741868, with internal and published modifications).